The following is an entry in ClinVar:

NM_170707.4(LMNA):c.1103C>T (p.Ala368Val)

Gene: LMNA (lamin A/C; plus strand). Cytogenetic location: 1q22.
Variant type: single nucleotide variant.
Coding change: c.1103C>T on transcript NM_170707.4 (MANE Select); coding-DNA position 1103, C replaced by T.
Protein change: p.Ala368Val; replaces alanine 368 with valine.
Molecular consequence: missense variant.
Genome position (GRCh38, 1-based): chr1:156,136,067, C>T. VCF-style: chr1-156136067-C-T. GRCh37 (hg19) VCF-style: chr1-156105858-C-T.
Other names: c.767C>T, p.Ala256Val (NM_001257374.3, NM_001406989.1, NM_001406998.1); c.860C>T, p.Ala287Val (NM_001282624.2, NM_001406986.1, NM_001406987.1); c.1103C>T, p.Ala368Val (NM_001282625.2, NM_001282626.2, NM_001406983.1 and 6 more transcripts); c.806C>T, p.Ala269Val (NM_001406988.1); c.545C>T, p.Ala182Val (NM_001406990.1, NM_001406993.1, NM_001406995.1 and 4 more transcripts); c.479C>T, p.Ala160Val (NM_001406994.1, NM_001406999.1, NM_001407000.1 and 1 more transcripts); short protein forms A182V, A269V, A287V, A368V, A160V, A256V.
Identifiers: ClinVar variation 1793037 (VCV001793037.2), dbSNP rs2527992638, ClinGen allele CA342820447.
Genomic context (GRCh38, chr1:156,136,067, plus strand): 5'-TGCGGGCAAGGATGCAGCAGCAGCTGGACGAGTACCAGGAGCTTCTGGACATCAAGCTGG[C>T]CCTGGACATGGAGATCCACGCCTACCGCAAGCTCTTGGAGGGCGAGGAGGAGAGGTGGGC-3'
Protein context (NP_733821.1, residues 358-378): EYQELLDIKL[Ala368Val]LDMEIHAYRK

ClinVar aggregate classification (germline): Uncertain significance (1 of 4 stars; one submission).

Conditions:
Cardiovascular phenotype. Identifiers: MedGen CN230736.

Submission:

Ambry Genetics
Classification: Uncertain significance for Cardiovascular phenotype. Last evaluated: 2022-09-30. Review status: criteria provided, single submitter. Criteria: Ambry Variant Classification Scheme 2023. Collection method: clinical testing. Allele origin: germline.
Comment: The p.A368V variant (also known as c.1103C>T), located in coding exon 6 of the LMNA gene, results from a C to T substitution at nucleotide position 1103. The alanine at codon 368 is replaced by valine, an amino acid with similar properties. This amino acid position is highly conserved in available vertebrate species. In addition, this alteration is predicted to be deleterious by in silico analysis. Since supporting evidence is limited at this time, the clinical significance of this alteration remains unclear.